The following is an entry in ClinVar:

NM_002016.2(FLG):c.3434A>T (p.His1145Leu)

Genes: CCDST (cervical cancer associated DHX9 suppressive transcript; plus strand), FLG (filaggrin; minus strand). Cytogenetic location: 1q21.3.
Variant type: single nucleotide variant.
Coding change: c.3434A>T on transcript NM_002016.2 (MANE Select); coding-DNA position 3434, A replaced by T.
Protein change: p.His1145Leu; replaces histidine 1145 with leucine.
Molecular consequence: missense variant.
Genome position (GRCh38, 1-based): chr1:152,311,452, T>A on the plus strand (A>T on the coding strand, the complement: FLG is on the minus strand). VCF-style: chr1-152311452-T-A. GRCh37 (hg19) VCF-style: chr1-152283928-T-A.
Other names: short protein forms H1145L.
Identifiers: ClinVar variation 4872019 (VCV004872019.3).

ClinVar aggregate classification (germline): Likely benign. Review status: criteria provided, multiple submitters, no conflicts (2 of 4 stars). 2 submissions from 2 submitters: Likely benign (2). Last evaluated 2026-07-01.

Submissions (2):

CeGaT Center for Human Genetics Tuebingen
Classification: Likely benign. Last evaluated: 2026-07-01. Review status: criteria provided, single submitter. Criteria: CeGaT Center For Human Genetics Tuebingen Variant Classification Criteria Version 2. Collection method: clinical testing. Allele origin: germline. Affected: yes. Observed: 1 variant allele.
Comment: FLG: BP4

Blueprint Genetics
Classification: Likely benign. Last evaluated: 2024-11-22. Review status: criteria provided, single submitter. Criteria: ACMG Guidelines, 2015. Collection method: clinical testing. Allele origin: germline.